The following is an entry in ClinVar:

ClinVar aggregate classification (germline): Uncertain significance (1 of 4 stars; one submission).

Conditions:
Arterial tortuosity syndrome (ATORS). Identifiers: Orphanet 3342, MedGen C1859726, MONDO:0008818, OMIM 208050.

Submission:

Labcorp Genetics (formerly Invitae), Labcorp
Classification: Uncertain significance for Arterial tortuosity syndrome. Last evaluated: 2022-03-31. Review status: criteria provided, single submitter. Criteria: Invitae Variant Classification Sherloc (09022015). Collection method: clinical testing. Allele origin: germline.
Comment: Advanced modeling of protein sequence and biophysical properties (such as structural, functional, and spatial information, amino acid conservation, physicochemical variation, residue mobility, and thermodynamic stability) performed at Invitae indicates that this missense variant is expected to disrupt SLC2A10 protein function. In summary, the available evidence is currently insufficient to determine the role of this variant in disease. Therefore, it has been classified as a Variant of Uncertain Significance. This variant has not been reported in the literature in individuals affected with SLC2A10-related conditions. This variant is not present in population databases (gnomAD no frequency). This sequence change replaces alanine, which is neutral and non-polar, with glycine, which is neutral and non-polar, at codon 422 of the SLC2A10 protein (p.Ala422Gly).

NM_030777.4(SLC2A10):c.1265C>G (p.Ala422Gly)

Gene: SLC2A10 (solute carrier family 2 member 10; plus strand). Cytogenetic location: 20q13.12.
Variant type: single nucleotide variant.
Coding change: c.1265C>G on transcript NM_030777.4 (MANE Select); coding-DNA position 1265, C replaced by G.
Protein change: p.Ala422Gly; replaces alanine 422 with glycine.
Molecular consequence: missense variant.
Genome position (GRCh38, 1-based): chr20:46,726,301, C>G. VCF-style: chr20-46726301-C-G. GRCh37 (hg19) VCF-style: chr20-45354940-C-G.
Other names: short protein forms A422G.
Identifiers: ClinVar variation 1415363 (VCV001415363.6), dbSNP rs1600668873, ClinGen allele CA409270222.